The following is an entry in ClinVar:

ClinVar aggregate classification (germline): Pathogenic (3 of 4 stars; one submission).

Conditions:
Breast-ovarian cancer, familial, susceptibility to, 1 (BROVCA1). Also called: BRCA1 Hereditary Breast and Ovarian Cancer; OVARIAN CANCER, SUSCEPTIBILITY TO. Identifiers: Orphanet 145, MedGen C2676676, MONDO:0011450, OMIM 604370. Disease mechanism: loss of function.

Submission:

Evidence-based Network for the Interpretation of Germline Mutant Alleles (ENIGMA)
Classification: Pathogenic for Breast-ovarian cancer, familial, susceptibility to, 1. Last evaluated: 2017-12-15. Review status: reviewed by expert panel. Criteria: ENIGMA BRCA1/2 Classification Criteria (2017-06-29). Collection method: curation. Allele origin: germline. Study: ENIGMA.
Comment: Variant allele predicted to encode a truncated non-functional protein.

NM_007294.4(BRCA1):c.4935_4936insAA (p.Val1646fs)

Gene: BRCA1 (BRCA1 DNA repair associated; minus strand). Cytogenetic location: 17q21.31.
Variant type: Insertion.
Coding change: c.4935_4936insAA on transcript NM_007294.4 (MANE Select); coding-DNA positions 4935 to 4936, AA inserted.
Protein change: p.Val1646fs; shifts the reading frame from valine 1646.
Molecular consequence: frameshift variant. On other transcripts: non-coding transcript variant (1).
Genome position: GRCh38 VCF-style: chr17-43070978-C-CTT. GRCh37 (hg19) VCF-style: chr17-41222995-C-CTT.
Other names: c.4722_4723insAA, p.Val1575Lysfs (NM_001407571.1, NM_001407894.1, NM_001407895.1 and 12 more transcripts); c.5001_5002insAA, p.Val1668Lysfs (NM_001407581.1, NM_001407582.1); c.4998_4999insAA, p.Val1667Lysfs (NM_001407583.1, NM_001407585.1, NM_001407587.1); c.4995_4996insAA, p.Val1666Lysfs (NM_001407590.1, NM_001407591.1); c.4935_4936insAA, p.Val1646Lysfs (NM_001407593.1, NM_001407594.1, NM_001407596.1 and 8 more transcripts); c.4932_4933insAA, p.Val1645Lysfs (NM_001407610.1, NM_001407611.1, NM_001407612.1 and 17 more transcripts); c.4929_4930insAA, p.Val1644Lysfs (NM_001407627.1, NM_001407628.1, NM_001407629.1 and 14 more transcripts); c.4926_4927insAA, p.Val1643Lysfs (NM_001407644.1, NM_001407645.1); and 73 more; short protein forms V1599fs, V1667fs, V1646fs, V542fs.
Identifiers: ClinVar variation 548310 (VCV000548310.2), dbSNP rs1555580653, ClinGen allele CA658825002.
Genomic context (GRCh38, chr17:43,070,978, plus strand): 5'-ATACACTCACAAATTCTTCTGGGGTCAGGCCAGACACCACCATGGACATTCTTTTGTTGA[C>CTT]CCTTTCTGTTGAAGCTGTCAATTCTGGCTTCTCCCTGCTCACACTTTCTTCCATTGCATT-3'